The following is an entry in ClinVar:

ClinVar aggregate classification (germline): Uncertain significance (1 of 4 stars; one submission).

Conditions:
Hereditary cancer-predisposing syndrome. Also called: Tumor predisposition; Hereditary Cancer Syndrome; Neoplastic Syndromes, Hereditary; Hereditary neoplastic syndrome. Identifiers: Orphanet 140162, MedGen C0027672, MeSH D009386, MONDO:0015356.

Submission:

Color Diagnostics, LLC DBA Color Health
Classification: Uncertain significance for Hereditary cancer-predisposing syndrome. Last evaluated: 2021-04-15. Review status: criteria provided, single submitter. Criteria: ACMG Guidelines, 2015. Collection method: clinical testing. Allele origin: germline.
Comment: This missense variant replaces phenylalanine with leucine at codon 267 of the PMS2 protein. Computational prediction is inconclusive regarding the impact of this variant on protein structure and function (internally defined REVEL score threshold 0.5 < inconclusive < 0.7, PMID: 27666373). To our knowledge, functional studies have not been reported for this variant. This variant has not been reported in individuals affected with hereditary cancer in the literature. This variant has not been identified in the general population by the Genome Aggregation Database (gnomAD). The available evidence is insufficient to determine the role of this variant in disease conclusively. Therefore, this variant is classified as a Variant of Uncertain Significance.

NM_000535.7(PMS2):c.801T>A (p.Phe267Leu)

Gene: PMS2 (PMS1 homolog 2, mismatch repair system component; minus strand). Cytogenetic location: 7p22.1.
Variant type: single nucleotide variant.
Coding change: c.801T>A on transcript NM_000535.7 (MANE Select); coding-DNA position 801, T replaced by A.
Protein change: p.Phe267Leu; replaces phenylalanine 267 with leucine.
Molecular consequence: missense variant. On other transcripts: 5 prime UTR variant (2), non-coding transcript variant (1).
Genome position (GRCh38, 1-based): chr7:5,997,328, A>T on the plus strand (T>A on the coding strand, the complement: PMS2 is on the minus strand). VCF-style: chr7-5997328-A-T. GRCh37 (hg19) VCF-style: chr7-6036959-A-T.
Other names: c.396T>A, p.Phe132Leu (NM_001322003.2, NM_001322004.2, NM_001322005.2 and 2 more transcripts); c.801T>A, p.Phe267Leu (NM_001322006.2, NM_001322014.2); c.483T>A, p.Phe161Leu (NM_001322007.2, NM_001322008.2); c.-133T>A (NM_001322011.2, NM_001322012.2); c.228T>A, p.Phe76Leu (NM_001322013.2); c.492T>A, p.Phe164Leu (NM_001322015.2); short protein forms F132L, F161L, F164L, F267L, F76L.
Identifiers: ClinVar variation 1331956 (VCV001331956.2), dbSNP rs1554301382, ClinGen allele CA366743607.